The following is an entry in ClinVar:

NM_018489.3(ASH1L):c.2629T>A (p.Phe877Ile)

Gene: ASH1L (ASH1 like histone lysine methyltransferase; minus strand). Cytogenetic location: 1q22.
Variant type: single nucleotide variant.
Coding change: c.2629T>A on transcript NM_018489.3 (MANE Select); coding-DNA position 2629, T replaced by A.
Protein change: p.Phe877Ile; replaces phenylalanine 877 with isoleucine.
Molecular consequence: missense variant.
Genome position (GRCh38, 1-based): chr1:155,480,241, A>T on the plus strand (T>A on the coding strand, the complement: ASH1L is on the minus strand). VCF-style: chr1-155480241-A-T. GRCh37 (hg19) VCF-style: chr1-155450032-A-T.
Other names: c.2629T>A, p.Phe877Ile (NM_001366177.2); short protein forms F877I.
Identifiers: ClinVar variation 1318974 (VCV001318974.2), dbSNP rs2148726096, ClinGen allele CA342723070.

ClinVar aggregate classification (germline): Uncertain significance (1 of 4 stars; one submission).

gnomAD v4.1: 10 of 1,614,180 alleles (0.00062%); highest among the groups gnomAD compares: Admixed American, 0.0017%; no homozygotes.

Submission:

GeneDx
Classification: Uncertain significance. Last evaluated: 2020-02-03. Review status: criteria provided, single submitter. Criteria: GeneDx Variant Classification Process June 2021. Collection method: clinical testing. Allele origin: germline. Affected: yes.
Comment: Not observed in large population cohorts (Lek et al., 2016); In silico analysis supports that this missense variant does not alter protein structure/function; Has not been previously published as pathogenic or benign to our knowledge